The following is an entry in ClinVar:

ClinVar aggregate classification (germline): Uncertain significance (1 of 4 stars; one submission).

Conditions:
Hyperkalemic periodic paralysis. Also called: Familial hyperkalemic periodic paralysis; Gamstorp disease. Identifiers: Orphanet 682, MedGen C0238357, MONDO:0008224, OMIM 170500, HP:0007215.

Submission:

Labcorp Genetics (formerly Invitae), Labcorp
Classification: Uncertain significance for Hyperkalemic periodic paralysis. Last evaluated: 2022-10-16. Review status: criteria provided, single submitter. Criteria: Invitae Variant Classification Sherloc (09022015). Collection method: clinical testing. Allele origin: germline.
Comment: In summary, the available evidence is currently insufficient to determine the role of this variant in disease. Therefore, it has been classified as a Variant of Uncertain Significance. Advanced modeling of protein sequence and biophysical properties (such as structural, functional, and spatial information, amino acid conservation, physicochemical variation, residue mobility, and thermodynamic stability) has been performed at Invitae for this missense variant, however the output from this modeling did not meet the statistical confidence thresholds required to predict the impact of this variant on SCN4A protein function. This variant has not been reported in the literature in individuals affected with SCN4A-related conditions. This variant is not present in population databases (gnomAD no frequency). This sequence change replaces glutamic acid, which is acidic and polar, with valine, which is neutral and non-polar, at codon 1833 of the SCN4A protein (p.Glu1833Val).

NM_000334.4(SCN4A):c.5498A>T (p.Glu1833Val)

Genes: GH-LCR (growth hormone locus control region; plus strand), SCN4A (sodium voltage-gated channel alpha subunit 4; minus strand). Cytogenetic location: 17q23.3.
Variant type: single nucleotide variant.
Coding change: c.5498A>T on transcript NM_000334.4 (MANE Select); coding-DNA position 5498, A replaced by T.
Protein change: p.Glu1833Val; replaces glutamic acid 1833 with valine.
Molecular consequence: missense variant.
Genome position (GRCh38, 1-based): chr17:63,940,784, T>A on the plus strand (A>T on the coding strand, the complement: SCN4A is on the minus strand). VCF-style: chr17-63940784-T-A. GRCh37 (hg19) VCF-style: chr17-62018144-T-A.
Other names: short protein forms E1833V.
Identifiers: ClinVar variation 1721697 (VCV001721697.6), dbSNP rs2144772729, ClinGen allele CA400610152.